The following is an entry in ClinVar:

NM_000512.5(GALNS):c.1261G>A (p.Gly421Arg)

Gene: GALNS (galactosamine (N-acetyl)-6-sulfatase; minus strand). Cytogenetic location: 16q24.3.
Variant type: single nucleotide variant.
Coding change: c.1261G>A on transcript NM_000512.5 (MANE Select); coding-DNA position 1261, G replaced by A.
Protein change: p.Gly421Arg; replaces glycine 421 with arginine.
Molecular consequence: missense variant.
Genome position (GRCh38, 1-based): chr16:88,822,692, C>T on the plus strand (G>A on the coding strand, the complement: GALNS is on the minus strand). VCF-style: chr16-88822692-C-T. GRCh37 (hg19) VCF-style: chr16-88889100-C-T.
Other names: c.706G>A, p.Gly236Arg (NM_001323543.2); c.1279G>A, p.Gly427Arg (NM_001323544.2); short protein forms G236R, G421R, G427R.
Identifiers: ClinVar variation 1048358 (VCV001048358.3), dbSNP rs2142992406, ClinGen allele CA397096410.

ClinVar aggregate classification (germline): Uncertain significance (1 of 4 stars; one submission).

Conditions:
Mucopolysaccharidosis, MPS-IV-A (MPS4A). Also called: Mucopolysaccharidosis type IV A; Mucopolysaccharidosis Type IVA; Morquio syndrome A, mild; MORQUIO SYNDROME A; MPS IVA; mucopolysaccharidosis type 4A. Identifiers: Orphanet 309297, Orphanet 582, MedGen C0086651, MONDO:0009659, OMIM 253000.

Submission:

Laboratory of Diagnosis and Therapy of Lysosomal Disorders, University of Padova
Classification: Uncertain significance for Mucopolysaccharidosis, MPS-IV-A. Last evaluated: 2021-02-01. Review status: criteria provided, single submitter. Criteria: ACMG Guidelines, 2015. Collection method: research. Allele origin: germline. Affected: yes.
Comment: Absent from gnomAD v2.1.1 (PM2_moderate)

Literature cited by the submitters: PubMed 34387910.